The following is an entry in ClinVar:

NM_001145860.2(POP1):c.1319A>T (p.His440Leu)

Gene: POP1 (POP1 ribonuclease P/MRP subunit; plus strand). Cytogenetic location: 8q22.2.
Variant type: single nucleotide variant.
Coding change: c.1319A>T on transcript NM_001145860.2 (MANE Select); coding-DNA position 1319, A replaced by T.
Protein change: p.His440Leu; replaces histidine 440 with leucine.
Molecular consequence: missense variant.
Genome position (GRCh38, 1-based): chr8:98,136,911, A>T. VCF-style: chr8-98136911-A-T. GRCh37 (hg19) VCF-style: chr8-99149139-A-T.
Other names: c.1319A>T, p.His440Leu (NM_001145861.2, NM_015029.3); c.1319A>T (NM_015029.2); short protein forms H440L.
Identifiers: ClinVar variation 1392295 (VCV001392295.8), dbSNP rs188063828, ClinGen allele CA4820547.

ClinVar aggregate classification (germline): Uncertain significance. Review status: criteria provided, multiple submitters, no conflicts (2 of 4 stars). 3 submissions from 3 submitters: Uncertain significance (3). Last evaluated 2025-06-10.

Conditions:
Inborn genetic diseases. Identifiers: MedGen C0950123, MeSH D030342.

Allele frequency attached by ClinVar (database versions not stated): 1000 Genomes Project 30x 0.00031; gnomAD exomes 0.00001; gnomAD 0.00002 and 0.00003; ExAC 0.00001; TOPMed 0.00002; 1000 Genomes Project 0.00020.
gnomAD v4.1: 15 of 1,613,620 alleles (0.00093%); highest among the groups gnomAD compares: Admixed American, 0.023%; no homozygotes.

Submissions (3):

Ambry Genetics
Classification: Uncertain significance for Inborn genetic diseases. Last evaluated: 2025-06-10. Review status: criteria provided, single submitter. Criteria: Ambry Variant Classification Scheme 2023. Collection method: clinical testing. Allele origin: germline.

Labcorp Genetics (formerly Invitae), Labcorp
Classification: Uncertain significance. Last evaluated: 2024-06-17. Review status: criteria provided, single submitter. Criteria: Invitae Variant Classification Sherloc (09022015). Collection method: clinical testing. Allele origin: germline.
Comment: This sequence change replaces histidine, which is basic and polar, with leucine, which is neutral and non-polar, at codon 440 of the POP1 protein (p.His440Leu). This variant is present in population databases (rs188063828, gnomAD 0.01%). This variant has not been reported in the literature in individuals affected with POP1-related conditions. ClinVar contains an entry for this variant (Variation ID: 1392295). An algorithm developed to predict the effect of missense changes on protein structure and function (PolyPhen-2) suggests that this variant is likely to be disruptive. In summary, the available evidence is currently insufficient to determine the role of this variant in disease. Therefore, it has been classified as a Variant of Uncertain Significance.

Breakthrough Genomics
Classification: Uncertain significance. Review status: criteria provided, single submitter. Criteria: ACMG Guidelines, 2015. Collection method: not provided. Allele origin: germline. Inheritance: Autosomal recessive inheritance. Affected: yes.